The following is an entry in ClinVar:

NM_000215.4(JAK3):c.904_908dup (p.Lys304fs)

Gene: JAK3 (Janus kinase 3; minus strand). Cytogenetic location: 19p13.11.
Variant type: Duplication.
Coding change: c.904_908dup on transcript NM_000215.4 (MANE Select); coding-DNA positions 904 to 908, 5 bases duplicated (AGCAT; older notation c.904_908dupAGCAT).
Protein change: p.Lys304fs; shifts the reading frame from lysine 304.
Molecular consequence: frameshift variant.
Genome position (GRCh38, 1-based): chr19:17,841,716-17,841,720, ATGCT duplicated on the plus strand (AGCAT on the coding strand, the reverse complement: JAK3 is on the minus strand); duplicating any 5 consecutive bases within chr19:17,841,716-17,841,721 gives the same sequence; the c. name uses the placement nearest the transcript's 3' end. VCF-style (leftmost placement, unchanged base first): chr19-17841715-G-GATGCT. GRCh37 (hg19) VCF-style: chr19-17952524-G-GATGCT.
Other names: short protein forms K304fs.
Identifiers: ClinVar variation 2707279 (VCV002707279.3), dbSNP rs2514572175, ClinGen allele CA2697556402.
Genomic context (GRCh38, chr19:17,841,715, plus strand): 5'-TGTCCTGGTAACAGTGACCAGGCGGTGCTCTCCGGCCGGGCCAACGCGCGGGGCCTGCTT[G>GATGCT]ATGCTAATGTCTACGATTTCTGGAAAGTCGCAGAAGGGCTGGAGGACCTGGGAAGGAGGG-3'

ClinVar aggregate classification (germline): Pathogenic (1 of 4 stars; one submission).

Conditions:
T-B+ severe combined immunodeficiency due to JAK3 deficiency. Also called: SCID, autosomal recessive, T-negative/B-positive type; SCID, T CELL-NEGATIVE, B CELL-POSITIVE, NK CELL-NEGATIVE. Identifiers: Orphanet 35078, MedGen C1833275, MONDO:0010938, OMIM 600802.

Submission:

Labcorp Genetics (formerly Invitae), Labcorp
Classification: Pathogenic for T-B+ severe combined immunodeficiency due to JAK3 deficiency. Last evaluated: 2024-01-04. Review status: criteria provided, single submitter. Criteria: Invitae Variant Classification Sherloc (09022015). Collection method: clinical testing. Allele origin: germline.
Comment: This sequence change creates a premature translational stop signal (p.Lys304Alafs*27) in the JAK3 gene. It is expected to result in an absent or disrupted protein product. Loss-of-function variants in JAK3 are known to be pathogenic (PMID: 7481768, 11668621). This variant is not present in population databases (gnomAD no frequency). This variant has not been reported in the literature in individuals affected with JAK3-related conditions. Algorithms developed to predict the effect of sequence changes on RNA splicing suggest that this variant may disrupt the consensus splice site. For these reasons, this variant has been classified as Pathogenic.

Literature cited by the submitters: PubMed 7481768; PubMed 11668621.